The following is an entry in ClinVar:

ClinVar aggregate classification (germline): Conflicting classifications of pathogenicity. Review status: criteria provided, conflicting classifications (1 of 4 stars). 5 submissions from 5 submitters: Uncertain significance (1); Benign (3); Likely benign (1). Last evaluated 2026-01-26.

Allele frequency attached by ClinVar (database versions not stated): gnomAD exomes 0.00056 and 0.00126; TOPMed 0.00076; gnomAD 0.00077; ExAC 0.00084; ESP Exome Variant Server 0.00087.
gnomAD v4.1: 1,018 of 1,612,576 alleles (0.063%); highest among the groups gnomAD compares: Non-Finnish European, 0.013%; 8 homozygotes.

Submissions (5):

Labcorp Genetics (formerly Invitae), Labcorp
Classification: Benign. Last evaluated: 2026-01-26. Review status: criteria provided, single submitter. Criteria: Invitae Variant Classification Sherloc (09022015). Collection method: clinical testing. Allele origin: germline.

CeGaT Center for Human Genetics Tuebingen
Classification: Likely benign. Last evaluated: 2025-02-01. Review status: criteria provided, single submitter. Criteria: CeGaT Center For Human Genetics Tuebingen Variant Classification Criteria Version 2. Collection method: clinical testing. Allele origin: germline. Affected: yes. Observed: 3 variant alleles.
Comment: SBF1: BS2

Mayo Clinic Laboratories, Mayo Clinic
Classification: Benign. Last evaluated: 2024-11-14. Review status: criteria provided, single submitter. Criteria: ACMG Guidelines, 2015. Collection method: clinical testing. Allele origin: germline. Observed: 5 variant alleles.
Comment: BS1, BS2

GeneDx
Classification: Benign. Last evaluated: 2019-02-18. Review status: criteria provided, single submitter. Criteria: GeneDx Variant Classification Process June 2021. Collection method: clinical testing. Allele origin: germline. Affected: yes.

ARUP Laboratories, Molecular Genetics and Genomics, ARUP Laboratories
Classification: Uncertain significance. Last evaluated: 2016-10-06. Review status: criteria provided, single submitter. Criteria: ARUP Molecular Germline Variant Investigation Process. Collection method: clinical testing. Allele origin: germline.

NM_002972.4(SBF1):c.3760C>T (p.Arg1254Cys)

Gene: SBF1 (SET binding factor 1; minus strand). Cytogenetic location: 22q13.33.
Variant type: single nucleotide variant.
Coding change: c.3760C>T on transcript NM_002972.4 (MANE Select); coding-DNA position 3760, C replaced by T.
Protein change: p.Arg1254Cys; replaces arginine 1254 with cysteine.
Molecular consequence: missense variant.
Genome position (GRCh38, 1-based): chr22:50,459,321, G>A on the plus strand (C>T on the coding strand, the complement: SBF1 is on the minus strand). VCF-style: chr22-50459321-G-A. GRCh37 (hg19) VCF-style: chr22-50897750-G-A.
Other names: p.Arg1254Cys; c.3763C>T, p.Arg1255Cys (NM_001365819.1); short protein forms R1254C, R1255C.
Identifiers: ClinVar variation 440251 (VCV000440251.43), dbSNP rs200180227, ClinGen allele CA10316582.